The following is an entry in ClinVar:

NM_001080467.3(MYO5B):c.1214C>T (p.Ala405Val)

Gene: MYO5B (myosin VB; minus strand). Cytogenetic location: 18q21.1.
Variant type: single nucleotide variant.
Coding change: c.1214C>T on transcript NM_001080467.3 (MANE Select); coding-DNA position 1214, C replaced by T.
Protein change: p.Ala405Val; replaces alanine 405 with valine.
Molecular consequence: missense variant.
Genome position (GRCh38, 1-based): chr18:49,974,458, G>A on the plus strand (C>T on the coding strand, the complement: MYO5B is on the minus strand). VCF-style: chr18-49974458-G-A. GRCh37 (hg19) VCF-style: chr18-47500828-G-A.
Other names: short protein forms A405V.
Identifiers: ClinVar variation 4292542 (VCV004292542.1).

ClinVar aggregate classification (germline): Uncertain significance (1 of 4 stars; one submission).

Conditions:
Cholestasis, progressive familial intrahepatic, 10 (PFIC10). Identifiers: MedGen C5676981, MONDO:0030810, OMIM 619868.

gnomAD v4.1: 19 of 1,614,040 alleles (0.0012%); highest among the groups gnomAD compares: African/African-American, 0.004%; no homozygotes.

Submission:

3billion
Classification: Uncertain significance for Cholestasis, progressive familial intrahepatic, 10. Last evaluated: 2024-09-12. Review status: criteria provided, single submitter. Criteria: ACMG Guidelines, 2015. Collection method: clinical testing. Allele origin: germline. Affected: yes.
Comment: The variant is observed at an extremely low frequency in the gnomAD v4.0.0 dataset (total allele frequency: 0.001%). Predicted Consequence/Location: Missense variant In silico tool predictions suggest damaging effect of the variant on gene or gene product [REVEL: 0.84 (>=0.6, sensitivity 0.68 and specificity 0.92); 3Cnet: 0.91 (>=0.6, sensitivity 0.72 and precision 0.9)]. Therefore, this variant is classified as VUS according to the recommendation of ACMG/AMP guideline.